The following is an entry in ClinVar:

NM_000070.3(CAPN3):c.1800+6T>G

Gene: CAPN3 (calpain 3; plus strand). Cytogenetic location: 15q15.1.
Variant type: single nucleotide variant.
Coding change: c.1800+6T>G on transcript NM_000070.3 (MANE Select); 6 bases into the intron after coding-DNA position 1800, T replaced by G.
Molecular consequence: intron variant.
Genome position (GRCh38, 1-based): chr15:42,405,949, T>G. VCF-style: chr15-42405949-T-G. GRCh37 (hg19) VCF-style: chr15-42698147-T-G.
Other names: c.1782+2172T>G (NM_024344.2); c.1638+2172T>G (NM_173087.2); c.264+6T>G (NM_173088.2); c.-82+6T>G (NM_173090.2); c.-82+994T>G (NM_173089.2).
Identifiers: ClinVar variation 1012099 (VCV001012099.14), dbSNP rs866147687, ClinGen allele CA269846190.

ClinVar aggregate classification (germline): Uncertain significance. Review status: criteria provided, single submitter (1 of 4 stars). 2 submissions from 2 submitters: Uncertain significance (1). 1 of the submissions does not count toward it. Last evaluated 2024-09-08.

Conditions:
Autosomal recessive limb-girdle muscular dystrophy type 2A (LGMDR1). Also called: Limb-girdle muscular dystrophy, type 2A; Calpainopathy; LEYDEN-MOEBIUS MUSCULAR DYSTROPHY; MUSCULAR DYSTROPHY, PELVOFEMORAL; Muscular dystrophy, limb-girdle, type 2A, Amish. Identifiers: Orphanet 267, MedGen C1869123, MONDO:0009675, OMIM 253600. Disease mechanism: loss of function.

Allele frequency attached by ClinVar (database versions not stated): TOPMed below 0.00001; gnomAD exomes 0.00001.
gnomAD v4.1: 8 of 1,611,238 alleles (0.0005%); highest among the groups gnomAD compares: Admixed American, 0.0083%; no homozygotes.

Submissions (2):

Labcorp Genetics (formerly Invitae), Labcorp
Classification: Uncertain significance for Autosomal recessive limb-girdle muscular dystrophy type 2A. Last evaluated: 2024-09-08. Review status: criteria provided, single submitter. Criteria: Invitae Variant Classification Sherloc (09022015). Collection method: clinical testing. Allele origin: germline.
Comment: This sequence change falls in intron 15 of the CAPN3 gene. It does not directly change the encoded amino acid sequence of the CAPN3 protein. It affects a nucleotide within the consensus splice site. This variant is present in population databases (no rsID available, gnomAD 0.006%). This variant has not been reported in the literature in individuals affected with CAPN3-related conditions. ClinVar contains an entry for this variant (Variation ID: 1012099). Variants that disrupt the consensus splice site are a relatively common cause of aberrant splicing (PMID: 17576681, 9536098). Algorithms developed to predict the effect of sequence changes on RNA splicing suggest that this variant is not likely to affect RNA splicing. In summary, the available evidence is currently insufficient to determine the role of this variant in disease. Therefore, it has been classified as a Variant of Uncertain Significance.

Natera, Inc.
Classification: Uncertain significance for Limb-girdle muscular dystrophy type 2A. Last evaluated: 2020-05-22. Review status: no assertion criteria provided. Collection method: clinical testing. Allele origin: germline. Not counted in ClinVar's aggregate classification.

Literature cited by the submitters: PubMed 17576681 (cited by Labcorp Genetics (formerly Invitae), Labcorp); PubMed 9536098 (cited by Labcorp Genetics (formerly Invitae), Labcorp).